The following is an entry in ClinVar:

ClinVar aggregate classification (germline): Likely benign (1 of 4 stars; one submission).

Allele frequency attached by ClinVar (database versions not stated): gnomAD 0.00003; TOPMed 0.00004.
gnomAD v4.1: 10 of 1,532,794 alleles (0.00065%); highest among the groups gnomAD compares: African/African-American, 0.014%; no homozygotes.

Submission:

CeGaT Center for Human Genetics Tuebingen
Classification: Likely benign. Last evaluated: 2026-08-01. Review status: criteria provided, single submitter. Criteria: CeGaT Center For Human Genetics Tuebingen Variant Classification Criteria Version 2. Collection method: clinical testing. Allele origin: germline. Affected: yes. Observed: 7 variant alleles.
Comment: BTBD17: BP4, BP7

NM_001080466.2(BTBD17):c.1035G>A (p.Pro345=)

Gene: BTBD17 (BTB domain containing 17; minus strand). Cytogenetic location: 17q25.1.
Variant type: single nucleotide variant.
Coding change: c.1035G>A on transcript NM_001080466.2 (MANE Select); coding-DNA position 1035, G replaced by A.
Protein change: p.Pro345=; no amino-acid change (proline 345 retained).
Molecular consequence: synonymous variant.
Genome position (GRCh38, 1-based): chr17:74,357,059, C>T on the plus strand (G>A on the coding strand, the complement: BTBD17 is on the minus strand). VCF-style: chr17-74357059-C-T. GRCh37 (hg19) VCF-style: chr17-72353198-C-T.
Identifiers: ClinVar variation 2648212 (VCV002648212.24), dbSNP rs775686353, ClinGen allele CA8747087.